The following is an entry in ClinVar:

NM_000379.4(XDH):c.1885G>A (p.Val629Ile)

Gene: XDH (xanthine dehydrogenase; minus strand). Cytogenetic location: 2p23.1.
Variant type: single nucleotide variant.
Coding change: c.1885G>A on transcript NM_000379.4 (MANE Select); coding-DNA position 1885, G replaced by A.
Protein change: p.Val629Ile; replaces valine 629 with isoleucine.
Molecular consequence: missense variant.
Genome position (GRCh38, 1-based): chr2:31,370,450, C>T on the plus strand (G>A on the coding strand, the complement: XDH is on the minus strand). VCF-style: chr2-31370450-C-T. GRCh37 (hg19) VCF-style: chr2-31593316-C-T.
Other names: p.Val629Ile; short protein forms V629I.
Identifiers: ClinVar variation 718983 (VCV000718983.43), dbSNP rs148464316, ClinGen allele CA1599040.

ClinVar aggregate classification (germline): Benign/Likely benign. Review status: criteria provided, multiple submitters, no conflicts (2 of 4 stars). 8 submissions from 8 submitters: Benign (3); Likely benign (5). Last evaluated 2025-12-29.

Conditions:
Xanthinuria type II. Also called: Xanthine dehydrogenase and aldehyde oxidase combined deficiency of; XDH and AOX dual deficiency. Identifiers: Orphanet 3467, Orphanet 93602, MedGen C1863688, MONDO:0011346, OMIM 603592.
Hereditary xanthinuria type 1 (XAN1). Identifiers: Orphanet 3467, Orphanet 93601, MedGen C0268118, MONDO:0010209, OMIM 278300.
XDH-related disorder. Also called: XDH-related condition.

Allele frequency attached by ClinVar (database versions not stated): 1000 Genomes Project 0.00300; 1000 Genomes Project 30x 0.00312; TOPMed 0.00357; ESP Exome Variant Server 0.00369.
gnomAD v4.1: 986 of 1,614,172 alleles (0.061%); highest among the groups gnomAD compares: African/African-American, 1.1%; 7 homozygotes.

Submissions (8):

Labcorp Genetics (formerly Invitae), Labcorp
Classification: Benign for Xanthinuria type II. Last evaluated: 2025-12-29. Review status: criteria provided, single submitter. Criteria: Invitae Variant Classification Sherloc (09022015). Collection method: clinical testing. Allele origin: germline.

PreventionGenetics, part of Exact Sciences
Classification: Likely benign for XDH-related condition. Last evaluated: 2025-05-08. Review status: criteria provided, single submitter. Criteria: ACMG Guidelines, 2015. Collection method: clinical testing. Allele origin: germline.
Comment: This variant is classified as likely benign based on ACMG/AMP sequence variant interpretation guidelines (Richards et al. 2015 PMID: 25741868, with internal and published modifications).

Blueprint Genetics
Classification: Likely benign. Last evaluated: 2024-10-31. Review status: criteria provided, single submitter. Criteria: ACMG Guidelines, 2015. Collection method: clinical testing. Allele origin: germline.

Mayo Clinic Laboratories, Mayo Clinic
Classification: Benign. Last evaluated: 2024-01-09. Review status: criteria provided, single submitter. Criteria: ACMG Guidelines, 2015. Collection method: clinical testing. Allele origin: germline. Observed: 3 variant alleles.
Comment: BS1, BS2, BP4

CeGaT Center for Human Genetics Tuebingen
Classification: Likely benign. Last evaluated: 2023-03-01. Review status: criteria provided, single submitter. Criteria: CeGaT Center For Human Genetics Tuebingen Variant Classification Criteria Version 2. Collection method: clinical testing. Allele origin: germline. Affected: yes. Observed: 1 variant allele.
Comment: XDH: BP4, BS1

Genome-Nilou Lab
Classification: Benign for Hereditary xanthinuria type 1. Last evaluated: 2021-12-05. Review status: criteria provided, single submitter. Criteria: ACMG Guidelines, 2015. Collection method: clinical testing. Allele origin: germline. Affected: no.

Illumina Laboratory Services, Illumina
Classification: Likely benign for Hereditary xanthinuria type 1. Last evaluated: 2018-01-12. Review status: criteria provided, single submitter. Criteria: ICSL Variant Classification Criteria 13 December 2019. Collection method: clinical testing. Allele origin: germline.
Comment: This variant was observed in the ICSL laboratory as part of a predisposition screen in an ostensibly healthy population. It had not been previously curated by ICSL or reported in the Human Gene Mutation Database (HGMD: prior to June 1st, 2018), and was therefore a candidate for classification through an automated scoring system. Utilizing variant allele frequency, disease prevalence and penetrance estimates, and inheritance mode, an automated score was calculated to assess if this variant is too frequent to cause the disease. Based on the score and internal cut-off values, a variant classified as likely benign is not then subjected to further curation. The score for this variant resulted in a classification of likely benign for this disease.

Breakthrough Genomics
Classification: Likely benign. Review status: criteria provided, single submitter. Criteria: ACMG Guidelines, 2015. Collection method: not provided. Allele origin: germline. Inheritance: Autosomal recessive inheritance. Affected: yes.